The following is an entry in ClinVar:

ClinVar aggregate classification (germline): Uncertain significance (1 of 4 stars; one submission).

Conditions:
Hereditary cancer-predisposing syndrome. Also called: Hereditary Cancer Syndrome; Neoplastic Syndromes, Hereditary; Tumor predisposition; Hereditary neoplastic syndrome. Identifiers: Orphanet 140162, MedGen C0027672, MeSH D009386, MONDO:0015356.

Submission:

Ambry Genetics
Classification: Uncertain significance for Hereditary cancer-predisposing syndrome. Last evaluated: 2024-11-09. Review status: criteria provided, single submitter. Criteria: Ambry Variant Classification Scheme 2023. Collection method: clinical testing. Allele origin: germline.
Comment: The p.G339E variant (also known as c.1016G>A), located in coding exon 9 of the NBN gene, results from a G to A substitution at nucleotide position 1016. The glycine at codon 339 is replaced by glutamic acid, an amino acid with similar properties. This amino acid position is conserved. In addition, this alteration is predicted to be tolerated by in silico analysis. Since supporting evidence is limited at this time, the clinical significance of this alteration remains unclear.

NM_002485.5(NBN):c.1016G>A (p.Gly339Glu)

Gene: NBN (nibrin; minus strand). Cytogenetic location: 8q21.3.
Variant type: single nucleotide variant.
Coding change: c.1016G>A on transcript NM_002485.5 (MANE Select); coding-DNA position 1016, G replaced by A.
Protein change: p.Gly339Glu; replaces glycine 339 with glutamic acid.
Molecular consequence: missense variant.
Genome position (GRCh38, 1-based): chr8:89,958,833, C>T on the plus strand (G>A on the coding strand, the complement: NBN is on the minus strand). VCF-style: chr8-89958833-C-T. GRCh37 (hg19) VCF-style: chr8-90971061-C-T.
Other names: c.770G>A, p.Gly257Glu (NM_001024688.3); short protein forms G257E, G339E.
Identifiers: ClinVar variation 1745393 (VCV001745393.3), dbSNP rs2129746827, ClinGen allele CA371656780.